The following is an entry in ClinVar:

NM_174916.3(UBR1):c.1094-12A>G

Gene: UBR1 (ubiquitin protein ligase E3 component n-recognin 1; minus strand). Cytogenetic location: 15q15.2.
Variant type: single nucleotide variant.
Coding change: c.1094-12A>G on transcript NM_174916.3 (MANE Select); 12 bases into the intron before coding-DNA position 1094, A replaced by G.
Molecular consequence: intron variant.
Genome position (GRCh38, 1-based): chr15:43,058,441, T>C on the plus strand (A>G on the coding strand, the complement: UBR1 is on the minus strand). VCF-style: chr15-43058441-T-C. GRCh37 (hg19) VCF-style: chr15-43350639-T-C.
Identifiers: ClinVar variation 2736187 (VCV002736187.3), dbSNP rs2543010266, ClinGen allele CA2695220097.

ClinVar aggregate classification (germline): Likely pathogenic (1 of 4 stars; one submission).

Submission:

Labcorp Genetics (formerly Invitae), Labcorp
Classification: Likely pathogenic. Last evaluated: 2023-05-20. Review status: criteria provided, single submitter. Criteria: Invitae Variant Classification Sherloc (09022015). Collection method: clinical testing. Allele origin: germline.
Comment: This sequence change falls in intron 9 of the UBR1 gene. It does not directly change the encoded amino acid sequence of the UBR1 protein. This variant is not present in population databases (gnomAD no frequency). In summary, the currently available evidence indicates that the variant is pathogenic, but additional data are needed to prove that conclusively. Therefore, this variant has been classified as Likely Pathogenic. Algorithms developed to predict the effect of sequence changes on RNA splicing suggest that this variant may disrupt the consensus splice site. This variant has been observed in individual(s) with Johanson-Blizzard syndrome (PMID: 16311597).

Literature cited by the submitters: PubMed 16311597.